The following is an entry in ClinVar:

NM_206933.4(USH2A):c.2320G>A (p.Gly774Arg)

Genes: USH2A (usherin; minus strand), LOC122152296 (Sharpr-MPRA regulatory region 8762; plus strand). Cytogenetic location: 1q41.
Variant type: single nucleotide variant.
Coding change: c.2320G>A on transcript NM_206933.4 (MANE Select); coding-DNA position 2320, G replaced by A.
Protein change: p.Gly774Arg; replaces glycine 774 with arginine.
Molecular consequence: missense variant.
Genome position (GRCh38, 1-based): chr1:216,247,074, C>T on the plus strand (G>A on the coding strand, the complement: USH2A is on the minus strand). VCF-style: chr1-216247074-C-T. GRCh37 (hg19) VCF-style: chr1-216420416-C-T.
Other names: c.2320G>A, p.Gly774Arg (NM_007123.6); short protein forms G774R.
Identifiers: ClinVar variation 958765 (VCV000958765.10), dbSNP rs2036065652, ClinGen allele CA344865090.

ClinVar aggregate classification (germline): Uncertain significance (1 of 4 stars; one submission).

Submission:

Labcorp Genetics (formerly Invitae), Labcorp
Classification: Uncertain significance. Last evaluated: 2022-08-09. Review status: criteria provided, single submitter. Criteria: Invitae Variant Classification Sherloc (09022015). Collection method: clinical testing. Allele origin: germline.
Comment: In summary, the available evidence is currently insufficient to determine the role of this variant in disease. Therefore, it has been classified as a Variant of Uncertain Significance. Algorithms developed to predict the effect of missense changes on protein structure and function (SIFT, PolyPhen-2, Align-GVGD) all suggest that this variant is likely to be disruptive. ClinVar contains an entry for this variant (Variation ID: 958765). This variant has not been reported in the literature in individuals affected with USH2A-related conditions. This variant is not present in population databases (gnomAD no frequency). This sequence change replaces glycine, which is neutral and non-polar, with arginine, which is basic and polar, at codon 774 of the USH2A protein (p.Gly774Arg).